The following is an entry in ClinVar:

NM_003079.5(SMARCE1):c.522G>A (p.Gln174=)

Gene: SMARCE1 (SWI/SNF related BAF chromatin remodeling complex subunit E1; minus strand). Cytogenetic location: 17q21.2.
Variant type: single nucleotide variant.
Coding change: c.522G>A on transcript NM_003079.5 (MANE Select); coding-DNA position 522, G replaced by A.
Protein change: p.Gln174=; no amino-acid change (glutamine 174 retained).
Molecular consequence: synonymous variant.
Genome position (GRCh38, 1-based): chr17:40,635,950, C>T on the plus strand (G>A on the coding strand, the complement: SMARCE1 is on the minus strand). VCF-style: chr17-40635950-C-T. GRCh37 (hg19) VCF-style: chr17-38792202-C-T.
Identifiers: ClinVar variation 706025 (VCV000706025.20), dbSNP rs761026520, ClinGen allele CA8545229.
Genomic context (GRCh38, chr17:40,635,950, plus strand): 5'-ACAGAGAAAGCATAAACAAAACCCCACTTTTTTTCTTTTACCATCTGGATCTTCAGCAGG[C>T]TGAATGCTCATGTACGGTTCTCCTTTCTCCATGCGAGATTGTCTCTGTCGACTTTCTTCC-3'
Protein context (NP_003070.3, residues 164-184): MEKGEPYMSI[Gln174=]PAEDPDDYDD

ClinVar aggregate classification (germline): Likely benign. Review status: criteria provided, multiple submitters, no conflicts (2 of 4 stars). 5 submissions from 5 submitters: Likely benign (4). 1 of the submissions does not count toward it. Last evaluated 2026-03-01.

Conditions:
Familial meningioma. Also called: Meningioma, familial, susceptibility to. Identifiers: Orphanet 263662, MedGen C3551915, MONDO:0011789, OMIM 607174.
Hereditary cancer-predisposing syndrome. Also called: Neoplastic Syndromes, Hereditary; Tumor predisposition; Hereditary Cancer Syndrome; Hereditary neoplastic syndrome. Identifiers: Orphanet 140162, MedGen C0027672, MeSH D009386, MONDO:0015356.
SMARCE1-related disorder. Also called: SMARCE1-related condition.

Allele frequency attached by ClinVar (database versions not stated): gnomAD exomes below 0.00001 and 0.00001; ExAC 0.00001; gnomAD 0.00001; TOPMed 0.00001.
gnomAD v4.1: 5 of 1,587,414 alleles (0.00031%); highest among the groups gnomAD compares: South Asian, 0.0012%; no homozygotes.

Submissions (5):

CeGaT Center for Human Genetics Tuebingen
Classification: Likely benign. Last evaluated: 2026-03-01. Review status: criteria provided, single submitter. Criteria: CeGaT Center For Human Genetics Tuebingen Variant Classification Criteria Version 2. Collection method: clinical testing. Allele origin: germline. Affected: yes. Observed: 1 variant allele.
Comment: SMARCE1: BP4, BP7

ARUP Laboratories, Molecular Genetics and Genomics, ARUP Laboratories
Classification: Likely benign. Last evaluated: 2025-05-06. Review status: criteria provided, single submitter. Criteria: ARUP Molecular Germline Variant Investigation Process 2024. Collection method: clinical testing. Allele origin: germline.

Labcorp Genetics (formerly Invitae), Labcorp
Classification: Likely benign for Familial meningioma. Last evaluated: 2024-04-01. Review status: criteria provided, single submitter. Criteria: Invitae Variant Classification Sherloc (09022015). Collection method: clinical testing. Allele origin: germline.

Ambry Genetics
Classification: Likely benign for Hereditary cancer-predisposing syndrome. Last evaluated: 2020-01-24. Review status: criteria provided, single submitter. Criteria: Ambry Variant Classification Scheme 2023. Collection method: clinical testing. Allele origin: germline.

PreventionGenetics, part of Exact Sciences
Classification: Likely benign for SMARCE1-related condition. Last evaluated: 2022-02-15. Review status: no assertion criteria provided. Collection method: clinical testing. Allele origin: germline. Not counted in ClinVar's aggregate classification.
Comment: This variant is classified as likely benign based on ACMG/AMP sequence variant interpretation guidelines (Richards et al. 2015 PMID: 25741868, with internal and published modifications).